The following is an entry in ClinVar:

NM_002500.5(NEUROD1):c.147GGA[1] (p.Glu50del)

Gene: NEUROD1 (neuronal differentiation 1; minus strand). Cytogenetic location: 2q31.3.
Variant type: Microsatellite.
Coding change: c.147GGA[1] on transcript NM_002500.5 (MANE Select); one copy of the 3-base unit GGA starting at c.147; the reference has two copies in a row; one copy, 3 bases deleted.
Protein change: p.Glu50del; deletes glutamic acid 50.
Molecular consequence: inframe deletion.
Genome position (GRCh38, 1-based): chr2:181,678,709-181,678,711, TCC deleted on the plus strand (GGA on the coding strand, the reverse complement: NEUROD1 is on the minus strand); deleting any 3 consecutive bases within chr2:181,678,709-181,678,716 gives the same sequence; the position shown is the placement nearest the transcript's 3' end. VCF-style (leftmost placement, unchanged base first): chr2-181678708-GTCC-G. GRCh37 (hg19) VCF-style: chr2-182543435-GTCC-G.
Other names: c.150_152delGGA (NM_002500.5); short protein forms E50del.
Identifiers: ClinVar variation 860311 (VCV000860311.10), dbSNP rs1165939921, ClinGen allele CA761592696.

ClinVar aggregate classification (germline): Uncertain significance. Review status: criteria provided, multiple submitters, no conflicts (2 of 4 stars). 2 submissions from 2 submitters: Uncertain significance (2). Last evaluated 2024-06-20.

Submissions (2):

Women's Health and Genetics/Laboratory Corporation of America, LabCorp
Classification: Uncertain significance. Last evaluated: 2024-06-20. Review status: criteria provided, single submitter. Criteria: LabCorp Variant Classification Summary - May 2015. Collection method: clinical testing. Allele origin: germline.
Comment: Variant summary: NEUROD1 c.150_152delGGA (p.Glu50del) results in an in-frame deletion that is predicted to remove 1 amino acid from the encoded protein. The variant was absent in 246680 control chromosomes. The available data on variant occurrences in the general population are insufficient to allow any conclusion about variant significance. To our knowledge, no occurrence of c.150_152delGGA in individuals affected with Monogenic Diabetes and no experimental evidence demonstrating its impact on protein function have been reported. ClinVar contains an entry for this variant (Variation ID: 860311). Based on the evidence outlined above, the variant was classified as uncertain significance.

Labcorp Genetics (formerly Invitae), Labcorp
Classification: Uncertain significance. Last evaluated: 2023-01-13. Review status: criteria provided, single submitter. Criteria: Invitae Variant Classification Sherloc (09022015). Collection method: clinical testing. Allele origin: germline.
Comment: This variant, c.150_152del, results in the deletion of 1 amino acid(s) of the NEUROD1 protein (p.Glu50del), but otherwise preserves the integrity of the reading frame. This variant is not present in population databases (gnomAD no frequency). This variant has not been reported in the literature in individuals affected with NEUROD1-related conditions. ClinVar contains an entry for this variant (Variation ID: 860311). Experimental studies and prediction algorithms are not available or were not evaluated, and the functional significance of this variant is currently unknown. In summary, the available evidence is currently insufficient to determine the role of this variant in disease. Therefore, it has been classified as a Variant of Uncertain Significance.